The following is an entry in ClinVar:

ClinVar aggregate classification (germline): Uncertain significance. Review status: criteria provided, multiple submitters, no conflicts (2 of 4 stars). 2 submissions from 2 submitters: Uncertain significance (2). Last evaluated 2024-12-21.

Conditions:
Hereditary cancer-predisposing syndrome. Also called: Hereditary Cancer Syndrome; Neoplastic Syndromes, Hereditary; Tumor predisposition; Hereditary neoplastic syndrome. Identifiers: Orphanet 140162, MedGen C0027672, MeSH D009386, MONDO:0015356.

Allele frequency attached by ClinVar (database versions not stated): gnomAD exomes below 0.00001.

Submissions (2):

Ambry Genetics
Classification: Uncertain significance for Hereditary cancer-predisposing syndrome. Last evaluated: 2024-12-21. Review status: criteria provided, single submitter. Criteria: Ambry Variant Classification Scheme 2023. Collection method: clinical testing. Allele origin: germline.
Comment: The p.M16I variant (also known as c.48G>A), located in coding exon 1 of the NTHL1 gene, results from a G to A substitution at nucleotide position 48. The methionine at codon 16 is replaced by isoleucine, an amino acid with highly similar properties. This amino acid position is well conserved in available vertebrate species. In addition, this alteration is predicted to be tolerated by in silico analysis. Since supporting evidence is limited at this time, the clinical significance of this alteration remains unclear.

Labcorp Genetics (formerly Invitae), Labcorp
Classification: Uncertain significance. Last evaluated: 2024-02-23. Review status: criteria provided, single submitter. Criteria: Invitae Variant Classification Sherloc (09022015). Collection method: clinical testing. Allele origin: germline.
Comment: This sequence change replaces methionine, which is neutral and non-polar, with isoleucine, which is neutral and non-polar, at codon 16 of the NTHL1 protein (p.Met16Ile). This variant is not present in population databases (gnomAD no frequency). This variant has not been reported in the literature in individuals affected with NTHL1-related conditions. ClinVar contains an entry for this variant (Variation ID: 1743963). An algorithm developed to predict the effect of missense changes on protein structure and function (PolyPhen-2) suggests that this variant is likely to be tolerated. In summary, the available evidence is currently insufficient to determine the role of this variant in disease. Therefore, it has been classified as a Variant of Uncertain Significance.

NM_002528.7(NTHL1):c.24G>A (p.Met8Ile)

Gene: NTHL1 (nth like DNA glycosylase 1; minus strand). Cytogenetic location: 16p13.3.
Variant type: single nucleotide variant.
Coding change: c.24G>A on transcript NM_002528.7 (MANE Select); coding-DNA position 24, G replaced by A.
Protein change: p.Met8Ile; replaces methionine 8 with isoleucine.
Molecular consequence: missense variant. On other transcripts: 5 prime UTR variant (1).
Genome position (GRCh38, 1-based): chr16:2,047,800, C>T on the plus strand (G>A on the coding strand, the complement: NTHL1 is on the minus strand). VCF-style: chr16-2047800-C-T. GRCh37 (hg19) VCF-style: chr16-2097801-C-T.
Other names: c.24G>A, p.Met8Ile (NM_001318193.2); c.-155G>A (NM_001318194.2); short protein forms M8I.
Identifiers: ClinVar variation 1743963 (VCV001743963.6), dbSNP rs2548332297, ClinGen allele CA394298596.